The following is an entry in ClinVar:

NM_003072.5(SMARCA4):c.3064T>C (p.Ser1022Pro)

Gene: SMARCA4 (SWI/SNF related BAF chromatin remodeling complex subunit ATPase 4; plus strand). Cytogenetic location: 19p13.2.
Variant type: single nucleotide variant.
Coding change: c.3064T>C on transcript NM_003072.5 (MANE Select); coding-DNA position 3064, T replaced by C.
Protein change: p.Ser1022Pro; replaces serine 1022 with proline.
Molecular consequence: missense variant. On other transcripts: non-coding transcript variant (1).
Genome position (GRCh38, 1-based): chr19:11,024,421, T>C. VCF-style: chr19-11024421-T-C. GRCh37 (hg19) VCF-style: chr19-11135097-T-C.
Other names: c.3064T>C, p.Ser1022Pro (NM_001128844.3, NM_001128845.2, NM_001128846.2 and 6 more transcripts); short protein forms S1022P.
Identifiers: ClinVar variation 4864812 (VCV004864812.1).
Genomic context (GRCh38, chr19:11,024,421, plus strand): 5'-GCGCTGCAGCGAGTGCTCTACCGCCACATGCAGGCCAAGGGCGTGCTGCTGACTGATGGC[T>C]CCGAGAAGGACAAGAAGGTGGGCCCCAGAGTCCCCCAACTGCATTCCCCACTGGGTGTCC-3'
Protein context (NP_003063.2, residues 1012-1032): QAKGVLLTDG[Ser1022Pro]EKDKKGKGGT

ClinVar aggregate classification (germline): Uncertain significance (1 of 4 stars; one submission).

Conditions:
Hereditary cancer-predisposing syndrome. Also called: Neoplastic Syndromes, Hereditary; Tumor predisposition; Hereditary Cancer Syndrome; Hereditary neoplastic syndrome. Identifiers: Orphanet 140162, MedGen C0027672, MeSH D009386, MONDO:0015356.

Submission:

Ambry Genetics
Classification: Uncertain significance for Hereditary cancer-predisposing syndrome. Last evaluated: 2026-06-05. Review status: criteria provided, single submitter. Criteria: Ambry Variant Classification Scheme 2023. Collection method: clinical testing. Allele origin: germline.
Comment: The c.3064T>C (p.S1022P) alteration is located in exon 21 (coding exon 20) of the SMARCA4 gene. This alteration results from a T to C substitution at nucleotide position 3064, causing the serine (S) at amino acid position 1022 to be replaced by a proline (P). This variant was not reported in population-based cohorts in the Genome Aggregation Database (gnomAD). This amino acid position is highly conserved in available vertebrate species. This missense variant is located in a region that has a low rate of benign missense variation (Lek, 2016; Firth, 2009). The in silico prediction for this alteration is inconclusive. Based on insufficient or conflicting evidence, the clinical significance of this alteration remains unclear.